The following is an entry in ClinVar:

NM_001267550.2(TTN):c.83902C>T (p.Pro27968Ser)

Genes: TTN (titin; minus strand), TTN-AS1 (TTN antisense RNA 1; plus strand). Cytogenetic location: 2q31.2.
Variant type: single nucleotide variant.
Coding change: c.83902C>T on transcript NM_001267550.2 (MANE Select); coding-DNA position 83902, C replaced by T.
Protein change: p.Pro27968Ser; replaces proline 27968 with serine.
Molecular consequence: missense variant.
Genome position (GRCh38, 1-based): chr2:178,562,230, G>A on the plus strand (C>T on the coding strand, the complement: TTN is on the minus strand). VCF-style: chr2-178562230-G-A. GRCh37 (hg19) VCF-style: chr2-179426957-G-A.
Other names: c.83902C>T (NM_001267550.1); c.78979C>T, p.Pro26327Ser (NM_001256850.1); c.56707C>T, p.Pro18903Ser (NM_003319.4); c.76198C>T, p.Pro25400Ser (NM_133378.4); c.57082C>T, p.Pro19028Ser (NM_133432.3); c.57283C>T, p.Pro19095Ser (NM_133437.4); short protein forms P27968S, P25400S, P26327S, P19095S, P18903S, P19028S.
Identifiers: ClinVar variation 445525 (VCV000445525.5), dbSNP rs541254027, ClinGen allele CA1988856.

ClinVar aggregate classification (germline): Conflicting classifications of pathogenicity. Review status: criteria provided, conflicting classifications (1 of 4 stars). 4 submissions from 4 submitters: Uncertain significance (3); Likely benign (1). Last evaluated 2026-09-11.

Conditions:
TTN-related disorder. Also called: TTN-related disorders; TTN-related condition; TTN-related disease.

Allele frequency attached by ClinVar (database versions not stated): ExAC 0.00001; gnomAD exomes 0.00001; TOPMed 0.00003; gnomAD 0.00004 and 0.00005; 1000 Genomes Project 30x 0.00016; 1000 Genomes Project 0.00020.
gnomAD v4.1: 15 of 1,612,612 alleles (0.00093%); highest among the groups gnomAD compares: African/African-American, 0.011%; no homozygotes.

Submissions (4):

PreventionGenetics, part of Exact Sciences
Classification: Uncertain significance for TTN-related condition. Last evaluated: 2026-09-11. Review status: criteria provided, single submitter. Criteria: ACMG Guidelines, 2015. Collection method: clinical testing. Allele origin: germline.
Comment: The TTN c.83902C>T variant is predicted to result in the amino acid substitution p.Pro27968Ser. To our knowledge, this variant has not been reported in the literature. This variant is reported in 0.012% of alleles in individuals of African descent in gnomAD. At this time, the clinical significance of this variant is uncertain due to the absence of conclusive functional and genetic evidence.

Molecular Diagnostic Laboratory for Inherited Cardiovascular Disease, Montreal Heart Institute
Classification: Likely benign. Last evaluated: 2025-04-09. Review status: criteria provided, single submitter. Criteria: ACMG Guidelines, 2015. Collection method: clinical testing. Allele origin: germline. Affected: no.

GeneDx
Classification: Uncertain significance. Last evaluated: 2024-05-02. Review status: criteria provided, single submitter. Criteria: GeneDx Variant Classification Process June 2021. Collection method: clinical testing. Allele origin: germline. Affected: yes.
Comment: Not observed at significant frequency in large population cohorts (gnomAD); Missense variant in a gene in which most reported pathogenic variants are truncating/loss of function; Has not been previously published as pathogenic or benign to our knowledge

Center for Pediatric Genomic Medicine, Children's Mercy Hospital and Clinics
Classification: Uncertain significance. Last evaluated: 2017-05-04. Review status: criteria provided, single submitter. Criteria: ACMG Guidelines, 2015. Collection method: clinical testing. Allele origin: germline.